The following is an entry in ClinVar:

NM_000069.3(CACNA1S):c.4681A>C (p.Thr1561Pro)

Gene: CACNA1S (calcium voltage-gated channel subunit alpha1 S; minus strand). Cytogenetic location: 1q32.1.
Variant type: single nucleotide variant.
Coding change: c.4681A>C on transcript NM_000069.3 (MANE Select); coding-DNA position 4681, A replaced by C.
Protein change: p.Thr1561Pro; replaces threonine 1561 with proline.
Molecular consequence: missense variant.
Genome position (GRCh38, 1-based): chr1:201,044,444, T>G on the plus strand (A>C on the coding strand, the complement: CACNA1S is on the minus strand). VCF-style: chr1-201044444-T-G. GRCh37 (hg19) VCF-style: chr1-201013572-T-G.
Other names: short protein forms T1561P.
Identifiers: ClinVar variation 3386292 (VCV003386292.1).
Genomic context (GRCh38, chr1:201,044,444, plus strand): 5'-CAGCAGCCAGGTCTCCTGAGACCGTGCGACAGATCTCGGGGGCTGCCTCTTCCTCAATGG[T>G]CCGCAGCCCTGCCTGGGGATGACGAAGGGACTCAGTTATCTCTCCAGCCCAGGAGAGGAG-3'
Protein context (NP_000060.2, residues 1551-1571): DIVQIQAGLR[Thr1561Pro]IEEEAAPEIC

ClinVar aggregate classification (germline): Uncertain significance (1 of 4 stars; one submission).

Conditions:
Malignant hyperthermia, susceptibility to, 5 (MHS5). Also called: CACNA1S-Related Malignant Hyperthermia Susceptibility. Identifiers: Orphanet 423, MedGen C1866077, MONDO:0011163, OMIM 601887.

Submission:

All of Us Research Program, National Institutes of Health
Classification: Uncertain significance for Malignant hyperthermia, susceptibility to, 5. Last evaluated: 2024-04-25. Review status: criteria provided, single submitter. Criteria: ACMG Guidelines, 2015. Collection method: clinical testing. Allele origin: germline. Inheritance: Autosomal dominant inheritance. Observed: 1 variant allele, 1 heterozygote.
Comment: This missense variant replaces threonine with proline at codon 1561 of the CACNA1S protein. Computational prediction is inconclusive regarding the impact of this variant on protein structure and function (internally defined REVEL score threshold 0.5 < inconclusive < 0.7, PMID: 27666373). To our knowledge, functional studies have not been reported for this variant. This variant has not been reported in individuals affected with CACNA1S-related disorders in the literature. This variant has not been identified in the general population by the Genome Aggregation Database (gnomAD). The available evidence is insufficient to determine the role of this variant in disease conclusively. Therefore, this variant is classified as a Variant of Uncertain Significance.

This study involves interpretation of variants in research participants for the purpose of population health screening. Participant phenotype was not available at the time of variant classification. Additional details can be found in publication PMID: 35346344, PMCID: PMC8962531